The following is an entry in ClinVar:

ClinVar aggregate classification (germline): Uncertain significance (1 of 4 stars; one submission).

Conditions:
Intellectual disability, autosomal dominant 14 (CSS2). Also called: COFFIN-SIRIS SYNDROME 2. Identifiers: Orphanet 1465, MedGen C3553247, MONDO:0013819, OMIM 614607.

Submission:

3billion
Classification: Uncertain significance for Intellectual disability, autosomal dominant 14. Last evaluated: 2023-11-26. Review status: criteria provided, single submitter. Criteria: ACMG Guidelines, 2015. Collection method: clinical testing. Allele origin: germline. Affected: yes.
Comment: The variant is not observed in the gnomAD v2.1.1 dataset. Predicted Consequence/Location: Missense variant In silico tools predict the variant to alter splicing and produce an abnormal transcript [SpliceAI: 0.73 (>=0.2, moderate evidence for spliceogenicity)]. Therefore, this variant is classified as VUS according to the recommendation of ACMG/AMP guideline.

NM_006015.6(ARID1A):c.1246G>A (p.Gly416Arg)

Gene: ARID1A (AT-rich interaction domain 1A; plus strand). Cytogenetic location: 1p36.11.
Variant type: single nucleotide variant.
Coding change: c.1246G>A on transcript NM_006015.6 (MANE Select); coding-DNA position 1246, G replaced by A.
Protein change: p.Gly416Arg; replaces glycine 416 with arginine.
Molecular consequence: missense variant.
Genome position (GRCh38, 1-based): chr1:26,729,759, G>A. VCF-style: chr1-26729759-G-A. GRCh37 (hg19) VCF-style: chr1-27056250-G-A.
Other names: c.1246G>A, p.Gly416Arg (NM_139135.4); short protein forms G416R.
Identifiers: ClinVar variation 3776208 (VCV003776208.1).